The following is an entry in ClinVar:

ClinVar aggregate classification (germline): Benign. Review status: criteria provided, multiple submitters, no conflicts (2 of 4 stars). 2 submissions from 2 submitters: Benign (2). Last evaluated 2018-06-14.

Allele frequency attached by ClinVar (database versions not stated): ESP Exome Variant Server 0.82019; 1000 Genomes Project 30x 0.82027; 1000 Genomes Project 0.82029; TOPMed 0.83622.
gnomAD v4.1: 1,374,696 of 1,611,846 alleles (85%); highest among the groups gnomAD compares: Admixed American, 91%; 587,258 homozygotes.

Submissions (2):

GeneDx
Classification: Benign. Last evaluated: 2018-06-14. Review status: criteria provided, single submitter. Criteria: GeneDx Variant Classification (06012015). Collection method: clinical testing. Allele origin: germline. Affected: yes.
Comment: This variant is considered likely benign or benign based on one or more of the following criteria: it is a conservative change, it occurs at a poorly conserved position in the protein, it is predicted to be benign by multiple in silico algorithms, and/or has population frequency not consistent with disease.

Breakthrough Genomics
Classification: Benign. Review status: criteria provided, single submitter. Criteria: ACMG Guidelines, 2015. Collection method: not provided. Allele origin: germline. Inheritance: Autosomal recessive inheritance. Affected: yes.

NM_001848.3(COL6A1):c.2464+70C>G

Gene: COL6A1 (collagen type VI alpha 1 chain; plus strand). Cytogenetic location: 21q22.3.
Variant type: single nucleotide variant.
Coding change: c.2464+70C>G on transcript NM_001848.3 (MANE Select); 70 bases into the intron after coding-DNA position 2464, C replaced by G.
Molecular consequence: intron variant.
Genome position (GRCh38, 1-based): chr21:46,003,219, C>G. VCF-style: chr21-46003219-C-G. GRCh37 (hg19) VCF-style: chr21-47423133-C-G.
Identifiers: ClinVar variation 679201 (VCV000679201.2), dbSNP rs2236489, ClinGen allele CA14888043.